The following is an entry in ClinVar:

ClinVar aggregate classification (germline): Conflicting classifications of pathogenicity. Review status: criteria provided, conflicting classifications (1 of 4 stars). 2 submissions from 2 submitters: Likely pathogenic (1); Uncertain significance (1). Last evaluated 2025-08-29.

Conditions:
Hearing loss, autosomal recessive 106. Also called: DEAFNESS, AUTOSOMAL RECESSIVE 106. Identifiers: MedGen C4539954, MONDO:0033198, OMIM 617637.

Submissions (2):

First Genomix Gene Laboratory, Genetic Diagnostics Department
Classification: Likely pathogenic for Hearing loss, autosomal recessive 106. Last evaluated: 2025-08-29. Review status: criteria provided, single submitter. Criteria: ACMG Guidelines, 2015. Collection method: clinical testing. Allele origin: germline. Inheritance: Autosomal recessive inheritance. Affected: no. Observed: 1 variant allele.

Genomic Medicine Center of Excellence, King Faisal Specialist Hospital and Research Centre
Classification: Uncertain significance for Hearing loss, autosomal recessive 106. Last evaluated: 2024-03-25. Review status: criteria provided, single submitter. Criteria: ACMG Guidelines, 2015. Collection method: research. Allele origin: germline.

NM_022772.4(EPS8L2):c.163C>T (p.Gln55Ter)

Gene: EPS8L2 (EPS8 signaling adaptor L2; plus strand). Cytogenetic location: 11p15.5.
Variant type: single nucleotide variant.
Coding change: c.163C>T on transcript NM_022772.4 (MANE Select); coding-DNA position 163, C replaced by T.
Protein change: p.Gln55Ter; replaces glutamine 55 with a stop codon.
Molecular consequence: nonsense.
Genome position (GRCh38, 1-based): chr11:710,484, C>T. VCF-style: chr11-710484-C-T. GRCh37 (hg19) VCF-style: chr11-710484-C-T.
Other names: short protein forms Q55*.
Identifiers: ClinVar variation 3064378 (VCV003064378.2), dbSNP rs143848078, ClinGen allele CA378957003.